The following is an entry in ClinVar:

ClinVar aggregate classification (germline): Benign/Likely benign. Review status: criteria provided, multiple submitters, no conflicts (2 of 4 stars). 3 submissions from 3 submitters: Benign (2); Likely benign (1). Last evaluated 2022-12-01.

Allele frequency attached by ClinVar (database versions not stated): ExAC 0.00117; gnomAD 0.00268 and 0.00282; 1000 Genomes Project 0.00280; ESP Exome Variant Server 0.00292; TOPMed 0.00320; 1000 Genomes Project 30x 0.00375.

Submissions (3):

CeGaT Center for Human Genetics Tuebingen
Classification: Likely benign. Last evaluated: 2022-12-01. Review status: criteria provided, single submitter. Criteria: CeGaT Center For Human Genetics Tuebingen Variant Classification Criteria Version 2. Collection method: clinical testing. Allele origin: germline. Affected: yes. Observed: 1 variant allele.
Comment: LGR6: BP4, BS2

Labcorp Genetics (formerly Invitae), Labcorp
Classification: Benign. Last evaluated: 2018-01-12. Review status: criteria provided, single submitter. Criteria: Invitae Variant Classification Sherloc (09022015). Collection method: clinical testing. Allele origin: germline.

Breakthrough Genomics
Classification: Benign. Review status: criteria provided, single submitter. Criteria: ACMG Guidelines, 2015. Collection method: not provided. Allele origin: germline. Inheritance: Unknown mechanism. Affected: yes.

NM_001017403.2(LGR6):c.1010G>A (p.Arg337His)

Gene: LGR6 (leucine rich repeat containing G protein-coupled receptor 6; plus strand). Cytogenetic location: 1q32.1.
Variant type: single nucleotide variant.
Coding change: c.1010G>A on transcript NM_001017403.2 (MANE Select); coding-DNA position 1010, G replaced by A.
Protein change: p.Arg337His; replaces arginine 337 with histidine.
Molecular consequence: missense variant.
Genome position (GRCh38, 1-based): chr1:202,304,570, G>A. VCF-style: chr1-202304570-G-A. GRCh37 (hg19) VCF-style: chr1-202273698-G-A.
Other names: c.593G>A, p.Arg198His (NM_001017404.2); c.854G>A, p.Arg285His (NM_021636.3); short protein forms R198H, R337H, R285H.
Identifiers: ClinVar variation 788947 (VCV000788947.28), dbSNP rs111928234, ClinGen allele CA1331708.